The following is an entry in ClinVar:

NM_000501.4(ELN):c.1358-219del

Gene: ELN (elastin; plus strand). Cytogenetic location: 7q11.23.
Variant type: Deletion.
Coding change: c.1358-219del on transcript NM_000501.4 (MANE Select); 219 bases into the intron before coding-DNA position 1358, one base deleted (G; older notation c.1358-219delG).
Molecular consequence: intron variant. On other transcripts: frameshift variant (1).
Genome position (GRCh38, 1-based): chr7:74,057,421, G deleted; the last of 2 consecutive G bases (chr7:74,057,420-74,057,421); deleting either gives the same sequence. VCF-style (leftmost placement, unchanged base first): chr7-74057419-AG-A. GRCh37 (hg19) VCF-style: chr7-73471749-AG-A.
Other names: c.1397del, p.Gly466fs (NM_001278939.2); c.1373-219del (NM_001081754.3); c.1372+708del (NM_001081753.3); c.1358-219del (NM_001278915.2, NM_001278912.2); c.1357+708del (NM_001081755.3); c.1315+708del (NM_001278916.2); c.1171+708del (NM_001278913.2); c.1342+708del (NM_001278914.2); and 3 more; short protein forms G466fs.
Identifiers: ClinVar variation 4085309 (VCV004085309.8).
Genomic context (GRCh38, chr7:74,057,419, plus strand): 5'-CTGAAAGTTCTCCACTCCCCGAGGTGCTGCAGGAGCAGGAGTGCTGGGTGGGCTAGTGCC[AG>A]GTGCCCCAGGCGCAGTCCCAGGTGTGCCGGGCACGGGAGGAGTGCCAGGTGAGCTGTGTC-3'

ClinVar aggregate classification (germline): Uncertain significance (1 of 4 stars; one submission).

Submission:

CeGaT Center for Human Genetics Tuebingen
Classification: Uncertain significance. Last evaluated: 2025-07-01. Review status: criteria provided, single submitter. Criteria: CeGaT Center For Human Genetics Tuebingen Variant Classification Criteria Version 2. Collection method: clinical testing. Allele origin: germline. Affected: yes. Observed: 1 variant allele.
Comment: ELN: PM2